The following is an entry in ClinVar:

NM_001127671.2(LIFR):c.91T>C (p.Ser31Pro)

Gene: LIFR (LIF receptor subunit alpha; minus strand). Cytogenetic location: 5p13.1.
Variant type: single nucleotide variant.
Coding change: c.91T>C on transcript NM_001127671.2 (MANE Select); coding-DNA position 91, T replaced by C.
Protein change: p.Ser31Pro; replaces serine 31 with proline.
Molecular consequence: missense variant.
Genome position (GRCh38, 1-based): chr5:38,530,557, A>G on the plus strand (T>C on the coding strand, the complement: LIFR is on the minus strand). VCF-style: chr5-38530557-A-G. GRCh37 (hg19) VCF-style: chr5-38530659-A-G.
Other names: c.91T>C, p.Ser31Pro (NM_001364297.2, NM_001364298.2, NM_002310.6); short protein forms S31P.
Identifiers: ClinVar variation 2298635 (VCV002298635.3), dbSNP rs759692061, ClinGen allele CA3243359.

ClinVar aggregate classification (germline): Uncertain significance. Review status: criteria provided, multiple submitters, no conflicts (2 of 4 stars). 2 submissions from 2 submitters: Uncertain significance (2). Last evaluated 2025-03-27.

Conditions:
Inborn genetic diseases. Identifiers: MedGen C0950123, MeSH D030342.

Allele frequency attached by ClinVar (database versions not stated): gnomAD 0.00001; gnomAD exomes 0.00001; TOPMed 0.00001; ExAC 0.00002.
gnomAD v4.1: 5 of 1,613,110 alleles (0.00031%); highest among the groups gnomAD compares: East Asian, 0.0045%; no homozygotes.

Submissions (2):

Labcorp Genetics (formerly Invitae), Labcorp
Classification: Uncertain significance. Last evaluated: 2025-03-27. Review status: criteria provided, single submitter. Criteria: Invitae Variant Classification Sherloc (09022015). Collection method: clinical testing. Allele origin: germline.
Comment: This sequence change replaces serine, which is neutral and polar, with proline, which is neutral and non-polar, at codon 31 of the LIFR protein (p.Ser31Pro). This variant is present in population databases (rs759692061, gnomAD 0.01%). This variant has not been reported in the literature in individuals affected with LIFR-related conditions. ClinVar contains an entry for this variant (Variation ID: 2298635). An algorithm developed to predict the effect of missense changes on protein structure and function (PolyPhen-2) suggests that this variant is likely to be tolerated. In summary, the available evidence is currently insufficient to determine the role of this variant in disease. Therefore, it has been classified as a Variant of Uncertain Significance.

Ambry Genetics
Classification: Uncertain significance for Inborn genetic diseases. Last evaluated: 2022-06-28. Review status: criteria provided, single submitter. Criteria: Ambry Variant Classification Scheme 2023. Collection method: clinical testing. Allele origin: germline.